The following is an entry in ClinVar:

ClinVar aggregate classification (germline): Uncertain significance (1 of 4 stars; one submission).

Submission:

GeneDx
Classification: Uncertain significance. Last evaluated: 2023-06-01. Review status: criteria provided, single submitter. Criteria: GeneDx Variant Classification Process June 2021. Collection method: clinical testing. Allele origin: germline. Affected: yes.
Comment: Has not been previously published as pathogenic or benign to our knowledge; Not observed at significant frequency in large population cohorts (gnomAD); In silico analysis supports that this missense variant does not alter protein structure/function

NM_000393.5(COL5A2):c.3074C>T (p.Thr1025Ile)

Gene: COL5A2 (collagen type V alpha 2 chain; minus strand). Cytogenetic location: 2q32.2.
Variant type: single nucleotide variant.
Coding change: c.3074C>T on transcript NM_000393.5 (MANE Select); coding-DNA position 3074, C replaced by T.
Protein change: p.Thr1025Ile; replaces threonine 1025 with isoleucine.
Molecular consequence: missense variant.
Genome position (GRCh38, 1-based): chr2:189,049,420, G>A on the plus strand (C>T on the coding strand, the complement: COL5A2 is on the minus strand). VCF-style: chr2-189049420-G-A. GRCh37 (hg19) VCF-style: chr2-189914146-G-A.
Other names: short protein forms T1025I.
Identifiers: ClinVar variation 3359391 (VCV003359391.1).